The following is an entry in ClinVar:

ClinVar aggregate classification (germline): Uncertain significance (1 of 4 stars; one submission).

Submission:

Women's Health and Genetics/Laboratory Corporation of America, LabCorp
Classification: Uncertain significance. Last evaluated: 2022-10-03. Review status: criteria provided, single submitter. Criteria: LabCorp Variant Classification Summary - May 2015. Collection method: clinical testing. Allele origin: germline.
Comment: Variant summary: WDR42A c.959+4A>C alters a conserved nucleotide located close to a canonical splice site and therefore could affect mRNA splicing, leading to a significantly altered protein sequence. Several computational tools predict a significant impact on normal splicing: One predicts the variant abolishes a 5' splicing donor site and three predict it weakens a 5' donor site. However, these predictions have yet to be confirmed by functional studies. The variant was absent in 29744 control chromosomes (gnomAD v3.1.2). The available data on variant occurrences in the general population are insufficient to allow any conclusion about variant significance. To our knowledge, no occurrence of c.959+4A>C in individuals affected with Giant Axonal Neuropathy 2 and no experimental evidence demonstrating its impact on protein function have been reported. No clinical diagnostic laboratories have submitted clinical-significance assessments for this variant to ClinVar after 2014. Based on the evidence outlined above, the variant was classified as uncertain significance.

NM_015726.4(DCAF8):c.959+4A>C

Gene: DCAF8 (DDB1 and CUL4 associated factor 8; minus strand). Cytogenetic location: 1q23.2.
Variant type: single nucleotide variant.
Coding change: c.959+4A>C on transcript NM_015726.4 (MANE Select); 4 bases into the intron after coding-DNA position 959, A replaced by C.
Molecular consequence: intron variant.
Genome position (GRCh38, 1-based): chr1:160,237,131, T>G on the plus strand (A>C on the coding strand, the complement: DCAF8 is on the minus strand). VCF-style: chr1-160237131-T-G. GRCh37 (hg19) VCF-style: chr1-160206921-T-G.
Identifiers: ClinVar variation 1804868 (VCV001804868.1), dbSNP rs2525183011, ClinGen allele CA2580061249.